The following is an entry in ClinVar:

ClinVar aggregate classification (germline): Benign/Likely benign. Review status: criteria provided, multiple submitters, no conflicts (2 of 4 stars). 3 submissions from 3 submitters: Benign (1); Likely benign (2). Last evaluated 2016-05-20.

Allele frequency attached by ClinVar (database versions not stated): gnomAD exomes 0.11265; ExAC 0.17840; TOPMed 0.06824; ESP Exome Variant Server 0.06946; 1000 Genomes Project 0.08806.
gnomAD v4.1: 147,423 of 1,447,188 alleles (10%); highest among the groups gnomAD compares: South Asian, 23%; 8,816 homozygotes.

Submissions (3):

GeneDx
Classification: Benign. Last evaluated: 2016-05-20. Review status: criteria provided, single submitter. Criteria: GeneDx Variant Classification (06012015). Collection method: clinical testing. Allele origin: germline. Affected: yes.
Comment: This variant is considered likely benign or benign based on one or more of the following criteria: it is a conservative change, it occurs at a poorly conserved position in the protein, it is predicted to be benign by multiple in silico algorithms, and/or has population frequency not consistent with disease.

Breakthrough Genomics
Classification: Likely benign. Review status: criteria provided, single submitter. Criteria: ACMG Guidelines, 2015. Collection method: not provided. Allele origin: germline. Inheritance: Autosomal recessive inheritance. Affected: yes.

PreventionGenetics, part of Exact Sciences
Classification: Likely benign. Review status: criteria provided, single submitter. Criteria: ACMG Guidelines, 2015. Collection method: clinical testing. Allele origin: germline.

NM_173660.5(DOK7):c.-30G>T

Gene: DOK7 (docking protein 7; plus strand). Cytogenetic location: 4p16.3.
Variant type: single nucleotide variant.
Coding change: c.-30G>T on transcript NM_173660.5 (MANE Select); 30 bases upstream of the start codon, G replaced by T.
Molecular consequence: 5 prime UTR variant.
Genome position (GRCh38, 1-based): chr4:3,463,346, G>T. VCF-style: chr4-3463346-G-T. GRCh37 (hg19) VCF-style: chr4-3465073-G-T.
Other names: c.-30G>T (NM_001164673.2, NM_001301071.2, NM_001363811.2).
Identifiers: ClinVar variation 262861 (VCV000262861.3), dbSNP rs146168804, ClinGen allele CA2828806.